The following is an entry in ClinVar:

ClinVar aggregate classification (germline): Uncertain significance (1 of 4 stars; one submission).

Conditions:
DCDC2-related disorder. Also called: DCDC2-related condition.

Allele frequency attached by ClinVar (database versions not stated): gnomAD exomes below 0.00001; TOPMed below 0.00001; gnomAD 0.00001.
gnomAD v4.1: 3 of 1,612,758 alleles (0.00019%); highest among the groups gnomAD compares: Admixed American, 0.005%; no homozygotes.

Submission:

PreventionGenetics, part of Exact Sciences
Classification: Uncertain significance for DCDC2-related condition. Last evaluated: 2023-09-22. Review status: criteria provided, single submitter. Criteria: ACMG Guidelines, 2015. Collection method: clinical testing. Allele origin: germline.
Comment: The DCDC2 c.1342C>A variant is predicted to result in the amino acid substitution p.Gln448Lys. To our knowledge, this variant has not been reported in the literature. This variant is reported in 0.0056% of alleles in individuals of Latino descent in gnomAD. At this time, the clinical significance of this variant is uncertain due to the absence of conclusive functional and genetic evidence.

NM_016356.5(DCDC2):c.1342C>A (p.Gln448Lys)

Gene: DCDC2 (doublecortin domain containing 2; minus strand). Cytogenetic location: 6p22.3.
Variant type: single nucleotide variant.
Coding change: c.1342C>A on transcript NM_016356.5 (MANE Select); coding-DNA position 1342, C replaced by A.
Protein change: p.Gln448Lys; replaces glutamine 448 with lysine.
Molecular consequence: missense variant.
Genome position (GRCh38, 1-based): chr6:24,174,819, G>T on the plus strand (C>A on the coding strand, the complement: DCDC2 is on the minus strand). VCF-style: chr6-24174819-G-T. GRCh37 (hg19) VCF-style: chr6-24175047-G-T.
Other names: c.1342C>A, p.Gln448Lys (NM_001195610.2); short protein forms Q448K.
Identifiers: ClinVar variation 2633137 (VCV002633137.1), dbSNP rs1301344173, ClinGen allele CA363278715.